The following is an entry in ClinVar:

NM_000057.4(BLM):c.3320G>A (p.Gly1107Glu)

Gene: BLM (BLM RecQ like helicase; plus strand). Cytogenetic location: 15q26.1.
Variant type: single nucleotide variant.
Coding change: c.3320G>A on transcript NM_000057.4 (MANE Select); coding-DNA position 3320, G replaced by A.
Protein change: p.Gly1107Glu; replaces glycine 1107 with glutamic acid.
Molecular consequence: missense variant.
Genome position (GRCh38, 1-based): chr15:90,798,299, G>A. VCF-style: chr15-90798299-G-A. GRCh37 (hg19) VCF-style: chr15-91341529-G-A.
Other names: c.3320G>A, p.Gly1107Glu (NM_001287246.2, NM_001287247.2); c.2195G>A, p.Gly732Glu (NM_001287248.2); short protein forms G732E, G1107E.
Identifiers: ClinVar variation 1991010 (VCV001991010.4), dbSNP rs2505534912, ClinGen allele CA393847328.

ClinVar aggregate classification (germline): Uncertain significance (1 of 4 stars; one submission).

Conditions:
Bloom syndrome (BLM). Also called: Bloom-Torre-Machacek syndrome. Identifiers: Orphanet 125, MedGen C0005859, MONDO:0008876, OMIM 210900.

Submission:

Labcorp Genetics (formerly Invitae), Labcorp
Classification: Uncertain significance for Bloom syndrome. Last evaluated: 2025-09-24. Review status: criteria provided, single submitter. Criteria: Invitae Variant Classification Sherloc (09022015). Collection method: clinical testing. Allele origin: germline.
Comment: This sequence change replaces glycine, which is neutral and non-polar, with glutamic acid, which is acidic and polar, at codon 1107 of the BLM protein (p.Gly1107Glu). This variant is not present in population databases (gnomAD no frequency). This variant has not been reported in the literature in individuals affected with BLM-related conditions. ClinVar contains an entry for this variant (Variation ID: 1991010). Invitae Evidence Modeling of protein sequence and biophysical properties (such as structural, functional, and spatial information, amino acid conservation, physicochemical variation, residue mobility, and thermodynamic stability) indicates that this missense variant is not expected to disrupt BLM protein function with a negative predictive value of 80%. In summary, the available evidence is currently insufficient to determine the role of this variant in disease. Therefore, it has been classified as a Variant of Uncertain Significance.